The following is an entry in ClinVar:

NM_001142864.4(PIEZO1):c.5207T>C (p.Phe1736Ser)

Gene: PIEZO1 (piezo type mechanosensitive ion channel component 1 (Er blood group); minus strand). Cytogenetic location: 16q24.3.
Variant type: single nucleotide variant.
Coding change: c.5207T>C on transcript NM_001142864.4 (MANE Select); coding-DNA position 5207, T replaced by C.
Protein change: p.Phe1736Ser; replaces phenylalanine 1736 with serine.
Molecular consequence: missense variant.
Genome position (GRCh38, 1-based): chr16:88,721,815, A>G on the plus strand (T>C on the coding strand, the complement: PIEZO1 is on the minus strand). VCF-style: chr16-88721815-A-G. GRCh37 (hg19) VCF-style: chr16-88788223-A-G.
Other names: short protein forms F1736S.
Identifiers: ClinVar variation 3774180 (VCV003774180.1).
Genomic context (GRCh38, chr16:88,721,815, plus strand): 5'-GAGGGTCACGGCGCGGTGGGCCGGGCGCCCCCTCCCCCGCGGCCTCGGCCCACCTCGGTG[A>G]AGACGATGGCCGTCATCCAGAAGCGCTTGCTGGGCCTCGGGATCGACAGCATGGCCCACA-3'
Protein context (NP_001136336.2, residues 1726-1746): SKRFWMTAIV[Phe1736Ser]TEIAVVVKYL

ClinVar aggregate classification (germline): Uncertain significance (1 of 4 stars; one submission).

gnomAD v4.1: 41 of 1,545,076 alleles (0.0027%); highest among the groups gnomAD compares: Non-Finnish European, 0.0035%; no homozygotes.

Submission:

GeneDx
Classification: Uncertain significance. Last evaluated: 2024-09-19. Review status: criteria provided, single submitter. Criteria: GeneDx Variant Classification Process June 2021. Collection method: clinical testing. Allele origin: germline. Affected: yes.
Comment: Not observed at significant frequency in large population cohorts (gnomAD); In silico analysis supports that this missense variant has a deleterious effect on protein structure/function; Has not been previously published as pathogenic or benign to our knowledge